The following is an entry in ClinVar:

ClinVar aggregate classification (germline): Conflicting classifications of pathogenicity. Review status: criteria provided, conflicting classifications (1 of 4 stars). 3 submissions from 3 submitters: Uncertain significance (2); Likely benign (1). Last evaluated 2025-11-11.

Conditions:
Idiopathic Pulmonary Fibrosis. Also called: Idiopathic fibrosing alveolitis, chronic form; idiopathic fibrosing alveolitis. Identifiers: Orphanet 2032, MedGen C1800706, MeSH D054990, MONDO:0800504.
Dyskeratosis congenita, autosomal dominant 2. Identifiers: MedGen C3151443, MONDO:0013521, OMIM 613989.
Dyskeratosis congenita. Identifiers: Orphanet 1775, MedGen C0265965, MONDO:0015780.

Allele frequency attached by ClinVar (database versions not stated): TOPMed 0.00001.
gnomAD v4.1: 19 of 1,614,012 alleles (0.0012%); highest among the groups gnomAD compares: Non-Finnish European, 0.0015%; no homozygotes.

Submissions (3):

Labcorp Genetics (formerly Invitae), Labcorp
Classification: Likely benign for Dyskeratosis congenita, autosomal dominant 2; Idiopathic Pulmonary Fibrosis. Last evaluated: 2025-11-11. Review status: criteria provided, single submitter. Criteria: Invitae Variant Classification Sherloc (09022015). Collection method: clinical testing. Allele origin: germline.

Ambry Genetics
Classification: Uncertain significance for Dyskeratosis congenita. Last evaluated: 2024-12-09. Review status: criteria provided, single submitter. Criteria: Ambry Variant Classification Scheme 2023. Collection method: clinical testing. Allele origin: germline.
Comment: The c.1590G>C variant (also known as p.P530P), located in coding exon 3 of the TERT gene, results from a G to C substitution at nucleotide position 1590. This nucleotide substitution does not change the amino acid at codon 530. This nucleotide position is not well conserved in available vertebrate species. In silico splice site analysis predicts that this alteration may result in the creation or strengthening of a novel splice acceptor site. The evidence for this gene-disease relationship is limited; therefore, the clinical significance of this alteration is unclear.

Laboratory for Molecular Medicine, Mass General Brigham Personalized Medicine
Classification: Uncertain significance. Last evaluated: 2018-08-13. Review status: criteria provided, single submitter. Criteria: LMM Criteria. Collection method: clinical testing. Allele origin: germline. Observed: 1 variant allele.
Comment: Variant classified as Uncertain Significance - Favor Benign. The p.Pro530Pro var iant in TERT has not been previously reported in individuals with short telomere syndromes or pulmonary fibrosis but has been identified in 1/11090 of European chromosomes by gnomAD. The variant does not a lter an amino acid residue and is not located within the splice consensus sequen ce. In summary, while the clinical significance of the p.Pro530Pro variant is un certain, its predicted impact suggests that it is more likely to be benign. ACMG /AMP Criteria applied: BP7, PM2.

NM_198253.3(TERT):c.1590G>C (p.Pro530=)

Gene: TERT (telomerase reverse transcriptase; minus strand). Cytogenetic location: 5p15.33.
Variant type: single nucleotide variant.
Coding change: c.1590G>C on transcript NM_198253.3 (MANE Select); coding-DNA position 1590, G replaced by C.
Protein change: p.Pro530=; no amino-acid change (proline 530 retained).
Molecular consequence: synonymous variant. On other transcripts: non-coding transcript variant (2).
Genome position (GRCh38, 1-based): chr5:1,282,608, C>G on the plus strand (G>C on the coding strand, the complement: TERT is on the minus strand). VCF-style: chr5-1282608-C-G. GRCh37 (hg19) VCF-style: chr5-1282723-C-G.
Other names: c.1590G>C, p.Pro530= (NM_001193376.3).
Identifiers: ClinVar variation 667339 (VCV000667339.16), dbSNP rs1396912668, ClinGen allele CA443026059.